The following is an entry in ClinVar:

NM_003602.5(FKBP6):c.384C>T (p.Pro128=)

Gene: FKBP6 (FKBP prolyl isomerase family member 6 (inactive); plus strand). Cytogenetic location: 7q11.23.
Variant type: single nucleotide variant.
Coding change: c.384C>T on transcript NM_003602.5 (MANE Select); coding-DNA position 384, C replaced by T.
Protein change: p.Pro128=; no amino-acid change (proline 128 retained).
Molecular consequence: synonymous variant.
Genome position (GRCh38, 1-based): chr7:73,330,268, C>T. VCF-style: chr7-73330268-C-T. GRCh37 (hg19) VCF-style: chr7-72744271-C-T.
Other names: c.369C>T, p.Pro123= (NM_001135211.3, NM_001362789.2); c.294C>T, p.Pro98= (NM_001281304.2).
Identifiers: ClinVar variation 2657550 (VCV002657550.24), dbSNP rs371618364, ClinGen allele CA4286681.

ClinVar aggregate classification (germline): Likely benign (1 of 4 stars; one submission).

Allele frequency attached by ClinVar (database versions not stated): ESP Exome Variant Server 0.00023; gnomAD exomes 0.00026; 1000 Genomes Project 30x 0.00031; ExAC 0.00039; 1000 Genomes Project 0.00040; gnomAD 0.00042.
gnomAD v4.1: 448 of 1,614,150 alleles (0.028%); highest among the groups gnomAD compares: Middle Eastern, 0.25%; 1 homozygote.

Submission:

CeGaT Center for Human Genetics Tuebingen
Classification: Likely benign. Last evaluated: 2026-09-01. Review status: criteria provided, single submitter. Criteria: CeGaT Center For Human Genetics Tuebingen Variant Classification Criteria Version 2. Collection method: clinical testing. Allele origin: germline. Affected: yes. Observed: 3 variant alleles.
Comment: FKBP6: BP4, BP7